The following is an entry in ClinVar:

ClinVar aggregate classification (germline): Likely benign. Review status: criteria provided, multiple submitters, no conflicts (2 of 4 stars). 3 submissions from 3 submitters: Likely benign (3). Last evaluated 2025-08-26.

Conditions:
Cardiovascular phenotype. Identifiers: MedGen CN230736.
Brugada syndrome 8 (BRGDA8). Identifiers: Orphanet 130, MedGen C2751083, MONDO:0013148, OMIM 613123.

Allele frequency attached by ClinVar (database versions not stated): TOPMed below 0.00001; gnomAD 0.00001; ExAC 0.00002; 1000 Genomes Project 30x 0.00016; 1000 Genomes Project 0.00020.
gnomAD v4.1: 5 of 1,601,530 alleles (0.00031%); highest among the groups gnomAD compares: Non-Finnish European, 0.00034%; no homozygotes.

Submissions (3):

Labcorp Genetics (formerly Invitae), Labcorp
Classification: Likely benign for Brugada syndrome 8. Last evaluated: 2025-08-26. Review status: criteria provided, single submitter. Criteria: Invitae Variant Classification Sherloc (09022015). Collection method: clinical testing. Allele origin: germline.

Ambry Genetics
Classification: Likely benign for Cardiovascular phenotype. Last evaluated: 2024-05-07. Review status: criteria provided, single submitter. Criteria: Ambry Variant Classification Scheme 2023. Collection method: clinical testing. Allele origin: germline.

CeGaT Center for Human Genetics Tuebingen
Classification: Likely benign. Last evaluated: 2023-05-01. Review status: criteria provided, single submitter. Criteria: CeGaT Center For Human Genetics Tuebingen Variant Classification Criteria Version 2. Collection method: clinical testing. Allele origin: germline. Affected: yes. Observed: 1 variant allele.
Comment: HCN4: BP4, BP7

NM_005477.3(HCN4):c.2494C>T (p.Leu832=)

Gene: HCN4 (hyperpolarization activated cyclic nucleotide gated potassium channel 4; minus strand). Cytogenetic location: 15q24.1.
Variant type: single nucleotide variant.
Coding change: c.2494C>T on transcript NM_005477.3 (MANE Select); coding-DNA position 2494, C replaced by T.
Protein change: p.Leu832=; no amino-acid change (leucine 832 retained).
Molecular consequence: synonymous variant.
Genome position (GRCh38, 1-based): chr15:73,323,599, G>A on the plus strand (C>T on the coding strand, the complement: HCN4 is on the minus strand). VCF-style: chr15-73323599-G-A. GRCh37 (hg19) VCF-style: chr15-73615940-G-A.
Other names: c.2494C>T (NM_005477.2).
Identifiers: ClinVar variation 2645516 (VCV002645516.26), dbSNP rs200058167, ClinGen allele CA7649017.